The following is an entry in ClinVar:

ClinVar aggregate classification (germline): Pathogenic (1 of 4 stars; one submission).

Conditions:
Telangiectasia, hereditary hemorrhagic, type 2 (HHT2). Also called: ACVRL1-Related Hereditary Hemorrhagic Telangiectasia; Telangiectasia, hereditary hemorrhagic, type II. Identifiers: Orphanet 774, MedGen C1838163, MONDO:0010880, OMIM 600376. Disease mechanism: loss of function.

Submission:

Labcorp Genetics (formerly Invitae), Labcorp
Classification: Pathogenic for Telangiectasia, hereditary hemorrhagic, type 2. Last evaluated: 2024-06-17. Review status: criteria provided, single submitter. Criteria: Invitae Variant Classification Sherloc (09022015). Collection method: clinical testing. Allele origin: germline.
Comment: This sequence change replaces aspartic acid, which is acidic and polar, with glycine, which is neutral and non-polar, at codon 437 of the ACVRL1 protein (p.Asp437Gly). This variant is not present in population databases (gnomAD no frequency). This missense change has been observed in individual(s) with hereditary hemorrhagic telangiectasia (PMID: 21158752; Invitae). ClinVar contains an entry for this variant (Variation ID: 411303). Advanced modeling of protein sequence and biophysical properties (such as structural, functional, and spatial information, amino acid conservation, physicochemical variation, residue mobility, and thermodynamic stability) performed at Invitae indicates that this missense variant is expected to disrupt ACVRL1 protein function with a positive predictive value of 95%. For these reasons, this variant has been classified as Pathogenic.

Literature cited by the submitters: PubMed 21158752.

NM_000020.3(ACVRL1):c.1310A>G (p.Asp437Gly)

Gene: ACVRL1 (activin A receptor like type 1; plus strand). Cytogenetic location: 12q13.13.
Variant type: single nucleotide variant.
Coding change: c.1310A>G on transcript NM_000020.3 (MANE Select); coding-DNA position 1310, A replaced by G.
Protein change: p.Asp437Gly; replaces aspartic acid 437 with glycine.
Molecular consequence: missense variant.
Genome position (GRCh38, 1-based): chr12:51,919,048, A>G. VCF-style: chr12-51919048-A-G. GRCh37 (hg19) VCF-style: chr12-52312832-A-G.
Other names: c.1310A>G, p.Asp437Gly (NM_001077401.2); short protein forms D437G.
Identifiers: ClinVar variation 411303 (VCV000411303.6), dbSNP rs1060503238, ClinGen allele CA16614171.